The following is an entry in ClinVar:

ClinVar aggregate classification (germline): Uncertain significance (1 of 4 stars; one submission).

Conditions:
Catecholaminergic polymorphic ventricular tachycardia 1. Also called: VENTRICULAR TACHYCARDIA, STRESS-INDUCED POLYMORPHIC 1; VENTRICULAR TACHYCARDIA, CATECHOLAMINERGIC POLYMORPHIC, 1, WITH OR WITHOUT ATRIAL DYSFUNCTION AND/OR DILATED CARDIOMYOPATHY; RYR2-Related Catecholaminergic Polymorphic Ventricular Tachycardia. Identifiers: Orphanet 3286, MedGen C1631597, MONDO:0011484, OMIM 604772.

Submissions (2):

Labcorp Genetics (formerly Invitae), Labcorp
Classification: Uncertain significance for Catecholaminergic polymorphic ventricular tachycardia 1. Last evaluated: 2024-11-24. Review status: criteria provided, single submitter. Criteria: Invitae Variant Classification Sherloc (09022015). Collection method: clinical testing. Allele origin: germline.
Comment: This sequence change replaces leucine, which is neutral and non-polar, with phenylalanine, which is neutral and non-polar, at codon 3982 of the RYR2 protein (p.Leu3982Phe). This variant is not present in population databases (gnomAD no frequency). This missense change has been observed in individual(s) with clinical features of RYR2-related conditions (internal data). ClinVar contains an entry for this variant (Variation ID: 1374056). Invitae Evidence Modeling of protein sequence and biophysical properties (such as structural, functional, and spatial information, amino acid conservation, physicochemical variation, residue mobility, and thermodynamic stability) indicates that this missense variant is expected to disrupt RYR2 protein function with a positive predictive value of 95%. In summary, the available evidence is currently insufficient to determine the role of this variant in disease. Therefore, it has been classified as a Variant of Uncertain Significance.

Dr. Peter K. Rogan Lab, Western University
No classification provided (evidence only). Condition: Thyroid cancer, nonmedullary, 1. Review status: no classification provided. Collection method: in vitro. Allele origin: not applicable. Functional consequence: retained intron. Not counted in ClinVar's aggregate classification.

NM_001035.3(RYR2):c.11946G>T (p.Leu3982Phe)

Gene: RYR2 (ryanodine receptor 2; plus strand). Cytogenetic location: 1q43.
Variant type: single nucleotide variant.
Coding change: c.11946G>T on transcript NM_001035.3 (MANE Select); coding-DNA position 11946, G replaced by T.
Protein change: p.Leu3982Phe; replaces leucine 3982 with phenylalanine.
Molecular consequence: missense variant.
Genome position (GRCh38, 1-based): chr1:237,781,630, G>T. VCF-style: chr1-237781630-G-T. GRCh37 (hg19) VCF-style: chr1-237944930-G-T.
Other names: short protein forms L3982F.
Identifiers: ClinVar variation 1374056 (VCV001374056.10), dbSNP rs2149344987, ClinGen allele CA345410225.
Genomic context (GRCh38, chr1:237,781,630, plus strand): 5'-CAGTCAAATTGAGCTATTAAAAGAATTAATGGATCTGCAGAAGGATATGGTGGTCATGTT[G>T]CTGTCCATGTTAGAAGGTAGTTTTGATTTATACTTTTAAATTCTCTTTATTATCTTATTT-3'
Protein context (NP_001026.2, residues 3972-3992): MDLQKDMVVM[Leu3982Phe]LSMLEGNVVN